The following is an entry in ClinVar:

ClinVar aggregate classification (germline): Uncertain significance (1 of 4 stars; one submission).

Conditions:
Baller-Gerold syndrome (BGS). Also called: CRANIOSYNOSTOSIS WITH RADIAL DEFECTS. Identifiers: Orphanet 1225, MedGen C0265308, MONDO:0009039, OMIM 218600.

Allele frequency attached by ClinVar (database versions not stated): TOPMed 0.00001.
gnomAD v4.1: 7 of 1,611,750 alleles (0.00043%); highest among the groups gnomAD compares: Non-Finnish European, 0.00051%; no homozygotes.

Submission:

Labcorp Genetics (formerly Invitae), Labcorp
Classification: Uncertain significance for Baller-Gerold syndrome. Last evaluated: 2024-08-08. Review status: criteria provided, single submitter. Criteria: Invitae Variant Classification Sherloc (09022015). Collection method: clinical testing. Allele origin: germline.
Comment: This sequence change replaces arginine, which is basic and polar, with glycine, which is neutral and non-polar, at codon 1062 of the RECQL4 protein (p.Arg1062Gly). This variant is present in population databases (no rsID available, gnomAD 0.0009%). This variant has not been reported in the literature in individuals affected with RECQL4-related conditions. ClinVar contains an entry for this variant (Variation ID: 650364). Advanced modeling of protein sequence and biophysical properties (such as structural, functional, and spatial information, amino acid conservation, physicochemical variation, residue mobility, and thermodynamic stability) performed at Invitae indicates that this missense variant is expected to disrupt RECQL4 protein function with a positive predictive value of 80%. In summary, the available evidence is currently insufficient to determine the role of this variant in disease. Therefore, it has been classified as a Variant of Uncertain Significance.

NM_004260.4(RECQL4):c.3184C>G (p.Arg1062Gly)

Gene: RECQL4 (RecQ like helicase 4; minus strand). Cytogenetic location: 8q24.3.
Variant type: single nucleotide variant.
Coding change: c.3184C>G on transcript NM_004260.4 (MANE Select); coding-DNA position 3184, C replaced by G.
Protein change: p.Arg1062Gly; replaces arginine 1062 with glycine.
Molecular consequence: missense variant.
Genome position (GRCh38, 1-based): chr8:144,512,196, G>C on the plus strand (C>G on the coding strand, the complement: RECQL4 is on the minus strand). VCF-style: chr8-144512196-G-C. GRCh37 (hg19) VCF-style: chr8-145737579-G-C.
Other names: short protein forms R1062G.
Identifiers: ClinVar variation 650364 (VCV000650364.7), dbSNP rs199658221, ClinGen allele CA187679565.